The following is an entry in ClinVar:

ClinVar aggregate classification (germline): Uncertain significance. Review status: criteria provided, multiple submitters, no conflicts (2 of 4 stars). 2 submissions from 2 submitters: Uncertain significance (2). Last evaluated 2023-11-28.

Conditions:
Cardiomyopathy, dilated, 2I (CMD2I). Identifiers: MedGen C5830685, MONDO:0957545, OMIM 620462.

Allele frequency attached by ClinVar (database versions not stated): 1000 Genomes Project 0.00020; 1000 Genomes Project 30x 0.00031.
gnomAD v4.1: 11 of 1,613,990 alleles (0.00068%); highest among the groups gnomAD compares: East Asian, 0.0067%; no homozygotes.

Submissions (2):

Ambry Genetics
Classification: Uncertain significance. Last evaluated: 2023-11-28. Review status: criteria provided, single submitter. Criteria: Ambry Variant Classification Scheme 2023. Collection method: clinical testing. Allele origin: germline.

Clinical Genomics Laboratory, Stanford Medicine
Classification: Uncertain significance for Cardiomyopathy, dilated, 2I. Last evaluated: 2021-07-13. Review status: criteria provided, single submitter. Criteria: ACMG Guidelines, 2015. Collection method: clinical testing. Allele origin: germline. Affected: yes. Observed: 1 heterozygote.
Comment: The p.Arg17Hisvariant in the CAP2gene has not been previously reported in association with disease. This varianthas been identified in 5/251,492chromosomes by the Genome Aggregation Database. Although this variant has been seen in the general population, its frequency is low enough to be consistent with a recessive carrier frequency. Computational tools do not predict that the p.Arg17His variant impacts protein function; however, the accuracy of in silicoalgorithms is limited. These data were assessed using the ACMG/AMP variant interpretation guidelines. In summary, the significance of thep.Arg17Hisvariant is uncertain.Additional information is needed to resolve the significance of this variant. [ACMG evidence codes used:PM2]

NM_006366.3(CAP2):c.50G>A (p.Arg17His)

Gene: CAP2 (cyclase associated actin cytoskeleton regulatory protein 2; plus strand). Cytogenetic location: 6p22.3.
Variant type: single nucleotide variant.
Coding change: c.50G>A on transcript NM_006366.3 (MANE Select); coding-DNA position 50, G replaced by A.
Protein change: p.Arg17His; replaces arginine 17 with histidine.
Molecular consequence: missense variant.
Genome position (GRCh38, 1-based): chr6:17,421,605, G>A. VCF-style: chr6-17421605-G-A. GRCh37 (hg19) VCF-style: chr6-17421836-G-A.
Other names: p.Arg17His; c.50G>A, p.Arg17His (NM_001363533.2, NM_001363534.2); short protein forms R17H.
Identifiers: ClinVar variation 3137007 (VCV003137007.2), dbSNP rs141863829, ClinGen allele CA3646103.